The following is an entry in ClinVar:

NM_000215.4(JAK3):c.1701+2T>A

Gene: JAK3 (Janus kinase 3; minus strand). Cytogenetic location: 19p13.11.
Variant type: single nucleotide variant.
Coding change: c.1701+2T>A on transcript NM_000215.4 (MANE Select); the canonical splice donor site of the intron after coding-DNA position 1701, T replaced by A.
Molecular consequence: splice donor variant.
Genome position (GRCh38, 1-based): chr19:17,837,930, A>T on the plus strand (T>A on the coding strand, the complement: JAK3 is on the minus strand). VCF-style: chr19-17837930-A-T. GRCh37 (hg19) VCF-style: chr19-17948739-A-T.
Identifiers: ClinVar variation 1508758 (VCV001508758.6), dbSNP rs2147687373, ClinGen allele CA404769252.

ClinVar aggregate classification (germline): Pathogenic (1 of 4 stars; one submission).

Conditions:
T-B+ severe combined immunodeficiency due to JAK3 deficiency. Also called: SCID, autosomal recessive, T-negative/B-positive type; SCID, T CELL-NEGATIVE, B CELL-POSITIVE, NK CELL-NEGATIVE. Identifiers: Orphanet 35078, MedGen C1833275, MONDO:0010938, OMIM 600802.

Submission:

Labcorp Genetics (formerly Invitae), Labcorp
Classification: Pathogenic for T-B+ severe combined immunodeficiency due to JAK3 deficiency. Last evaluated: 2022-11-15. Review status: criteria provided, single submitter. Criteria: Invitae Variant Classification Sherloc (09022015). Collection method: clinical testing. Allele origin: germline.
Comment: For these reasons, this variant has been classified as Pathogenic. Algorithms developed to predict the effect of sequence changes on RNA splicing suggest that this variant may disrupt the consensus splice site. ClinVar contains an entry for this variant (Variation ID: 1508758). Disruption of this splice site has been observed in individual(s) with clinical features of severe combined immunodeficiency (Invitae). In at least one individual the data is consistent with being in trans (on the opposite chromosome) from a pathogenic variant. This variant is not present in population databases (gnomAD no frequency). This sequence change affects a donor splice site in intron 12 of the JAK3 gene. It is expected to disrupt RNA splicing. Variants that disrupt the donor or acceptor splice site typically lead to a loss of protein function (PMID: 16199547), and loss-of-function variants in JAK3 are known to be pathogenic (PMID: 7481768, 11668621).

Literature cited by the submitters: PubMed 16199547; PubMed 7481768; PubMed 11668621.